The following is an entry in ClinVar:

NM_000531.6(OTC):c.848G>T (p.Gly283Val)

Gene: OTC (ornithine transcarbamylase; plus strand). Cytogenetic location: Xp11.4.
Variant type: single nucleotide variant.
Coding change: c.848G>T on transcript NM_000531.6 (MANE Select); coding-DNA position 848, G replaced by T.
Protein change: p.Gly283Val; replaces glycine 283 with valine.
Molecular consequence: missense variant.
Genome position (GRCh38, 1-based): chrX:38,409,006, G>T. VCF-style: chrX-38409006-G-T. GRCh37 (hg19) VCF-style: chrX-38268259-G-T.
Other names: c.848G>T, p.Gly283Val (NM_001407092.1); short protein forms G283V.
Identifiers: ClinVar variation 3075057 (VCV003075057.1), dbSNP rs2519979424, ClinGen allele CA412723742.

ClinVar aggregate classification (germline): Uncertain significance (1 of 4 stars; one submission).

Conditions:
Ornithine carbamoyltransferase deficiency (OTCD). Also called: ORNITHINE TRANSCARBAMYLASE DEFICIENCY; ORNITHINE TRANSCARBAMYLASE DEFICIENCY, HYPERAMMONEMIA DUE TO; OTC DEFICIENCY; Ornithine Carbamoyltransferase Deficiency Disease. Identifiers: Orphanet 664, MedGen C0268542, MONDO:0010703, OMIM 311250.

Allele frequency attached by ClinVar (database versions not stated): gnomAD exomes below 0.00001.
gnomAD v4.1: 1 of 1,211,272 alleles (0.000083%); highest among the groups gnomAD compares: East Asian, 0.003%; no homozygotes.

Submission:

All of Us Research Program, National Institutes of Health
Classification: Uncertain significance for Ornithine carbamoyltransferase deficiency. Last evaluated: 2023-12-18. Review status: criteria provided, single submitter. Criteria: ACMG Guidelines, 2015. Collection method: clinical testing. Allele origin: germline. Inheritance: X-linked inheritance. Observed: 1 variant allele, 1 hemizygote.
Comment: This missense variant replaces glycine with valine at codon 283 of the OTC protein. Computational prediction suggests that this variant may have deleterious impact on protein structure and function (internally defined REVEL score threshold >= 0.7, PMID: 27666373). To our knowledge, functional studies have not been reported for this variant. This variant has not been identified in the general population by the Genome Aggregation Database (gnomAD). The available evidence is insufficient to determine the role of this variant in disease conclusively. Therefore, this variant is classified as a Variant of Uncertain Significance.

This study involves interpretation of variants in research participants for the purpose of population health screening. Participant phenotype was not available at the time of variant classification. Additional details can be found in publication PMID: 35346344, PMCID: PMC8962531

Literature cited by the submitters: PubMed 36211161.